The following is an entry in ClinVar:

ClinVar aggregate classification (germline): Uncertain significance. Review status: criteria provided, multiple submitters, no conflicts (2 of 4 stars). 3 submissions from 3 submitters: Uncertain significance (3). Last evaluated 2025-12-20.

Conditions:
Naxos disease (NXD). Also called: WOOLLY HAIR, PALMOPLANTAR KERATODERMA, AND CARDIAC ABNORMALITIES; KERATOSIS PALMOPLANTARIS WITH ARRHYTHMOGENIC CARDIOMYOPATHY; CARDIOMYOPATHY, ARRHYTHMOGENIC RIGHT VENTRICULAR, WITH SKIN, HAIR, AND NAIL ABNORMALITIES; MAL DE NAXOS; PALMOPLANTAR KERATODERMA WITH ARRHYTHMOGENIC RIGHT VENTRICULAR CARDIOMYOPATHY AND WOOLLY HAIR. Identifiers: Orphanet 34217, MedGen C1832600, MONDO:0011017, OMIM 601214.
Arrhythmogenic right ventricular dysplasia 12. Also called: ARRHYTHMOGENIC RIGHT VENTRICULAR DYSPLASIA, FAMILIAL, 12. Identifiers: MedGen C1969081, MONDO:0012684, OMIM 611528.
Cardiovascular phenotype. Identifiers: MedGen CN230736.

Allele frequency attached by ClinVar (database versions not stated): gnomAD exomes below 0.00001 and 0.00001; ExAC 0.00001; gnomAD 0.00002; TOPMed 0.00003.
gnomAD v4.1: 8 of 1,613,384 alleles (0.0005%); highest among the groups gnomAD compares: African/African-American, 0.0067%; no homozygotes.

Submissions (3):

Labcorp Genetics (formerly Invitae), Labcorp
Classification: Uncertain significance for Arrhythmogenic right ventricular dysplasia 12; Naxos disease. Last evaluated: 2025-12-20. Review status: criteria provided, single submitter. Criteria: Invitae Variant Classification Sherloc (09022015). Collection method: clinical testing. Allele origin: germline.
Comment: This sequence change replaces methionine, which is neutral and non-polar, with threonine, which is neutral and polar, at codon 718 of the JUP protein (p.Met718Thr). This variant is present in population databases (rs782336064, gnomAD 0.008%). This variant has not been reported in the literature in individuals affected with JUP-related conditions. ClinVar contains an entry for this variant (Variation ID: 860683). An algorithm developed to predict the effect of missense changes on protein structure and function (PolyPhen-2) suggests that this variant is likely to be tolerated. In summary, the available evidence is currently insufficient to determine the role of this variant in disease. Therefore, it has been classified as a Variant of Uncertain Significance.

Fulgent Genetics
Classification: Uncertain significance for Naxos disease; Arrhythmogenic right ventricular dysplasia 12. Last evaluated: 2021-10-23. Review status: criteria provided, single submitter. Criteria: ACMG Guidelines, 2015. Collection method: clinical testing. Allele origin: unknown.

Ambry Genetics
Classification: Uncertain significance for Cardiovascular phenotype. Last evaluated: 2021-10-19. Review status: criteria provided, single submitter. Criteria: Ambry Variant Classification Scheme 2023. Collection method: clinical testing. Allele origin: germline.
Comment: The p.M718T variant (also known as c.2153T>C), located in coding exon 13 of the JUP gene, results from a T to C substitution at nucleotide position 2153. The methionine at codon 718 is replaced by threonine, an amino acid with similar properties. This amino acid position is well conserved in available vertebrate species. In addition, this alteration is predicted to be tolerated by in silico analysis. Since supporting evidence is limited at this time, the clinical significance of this alteration remains unclear.

NM_002230.4(JUP):c.2153T>C (p.Met718Thr)

Gene: JUP (junction plakoglobin; minus strand). Cytogenetic location: 17q21.2.
Variant type: single nucleotide variant.
Coding change: c.2153T>C on transcript NM_002230.4 (MANE Select); coding-DNA position 2153, T replaced by C.
Protein change: p.Met718Thr; replaces methionine 718 with threonine.
Molecular consequence: missense variant.
Genome position (GRCh38, 1-based): chr17:41,755,829, A>G on the plus strand (T>C on the coding strand, the complement: JUP is on the minus strand). VCF-style: chr17-41755829-A-G. GRCh37 (hg19) VCF-style: chr17-39912081-A-G.
Other names: c.2153T>C, p.Met718Thr (NM_001352773.2, NM_001352774.2, NM_001352775.2 and 3 more transcripts); short protein forms M718T.
Identifiers: ClinVar variation 860683 (VCV000860683.10), dbSNP rs782336064, ClinGen allele CA8564996.